The following is an entry in ClinVar:

NM_001291415.2(KDM6A):c.2834C>T (p.Ser945Leu)

Gene: KDM6A (lysine demethylase 6A; plus strand). Cytogenetic location: Xp11.3.
Variant type: single nucleotide variant.
Coding change: c.2834C>T on transcript NM_001291415.2 (MANE Select); coding-DNA position 2834, C replaced by T.
Protein change: p.Ser945Leu; replaces serine 945 with leucine.
Molecular consequence: missense variant. On other transcripts: non-coding transcript variant (1).
Genome position (GRCh38, 1-based): chrX:45,070,333, C>T. VCF-style: chrX-45070333-C-T. GRCh37 (hg19) VCF-style: chrX-44929578-C-T.
Other names: c.2699C>T, p.Ser900Leu (NM_001291416.2); c.2543C>T, p.Ser848Leu (NM_001291417.2); c.2441C>T, p.Ser814Leu (NM_001291418.2); c.1790C>T, p.Ser597Leu (NM_001291421.2); c.2678C>T, p.Ser893Leu (NM_021140.4); short protein forms S893L, S945L, S900L, S848L, S597L, S814L.
Identifiers: ClinVar variation 546358 (VCV000546358.5), dbSNP rs1556331046, ClinGen allele CA412796220.
Genomic context (GRCh38, chrX:45,070,333, plus strand): 5'-TTAACCACAAACCTAGTCCACAGATCATACCATCAATGTCTGTGTCCATATACCCCAGCT[C>T]AGCAGAAGTTCTGAAGGCATGCAGGTTAGTGTGGGAAAGTTCATCAAAGTGAAAATGTTT-3'
Protein context (NP_001278344.1, residues 935-955): PSMSVSIYPS[Ser945Leu]AEVLKACRNL

ClinVar aggregate classification (germline): Uncertain significance (1 of 4 stars; one submission).

Allele frequency attached by ClinVar (database versions not stated): gnomAD exomes below 0.00001.
gnomAD v4.1: 1 of 1,211,023 alleles (0.000083%); highest among the groups gnomAD compares: Non-Finnish European, 0.00011%; no homozygotes.

Submission:

GeneDx
Classification: Uncertain significance. Last evaluated: 2025-03-31. Review status: criteria provided, single submitter. Criteria: GeneDx Variant Classification Process June 2021. Collection method: clinical testing. Allele origin: germline. Affected: yes.
Comment: Not observed in large population cohorts (gnomAD); In silico analysis supports that this missense variant has a deleterious effect on protein structure/function; Has not been previously published as pathogenic or benign to our knowledge